The following is an entry in ClinVar:

NM_080605.4(B3GALT6):c.343C>T (p.Arg115Trp)

Gene: B3GALT6 (beta-1,3-galactosyltransferase 6; plus strand). Cytogenetic location: 1p36.33.
Variant type: single nucleotide variant.
Coding change: c.343C>T on transcript NM_080605.4 (MANE Select); coding-DNA position 343, C replaced by T.
Protein change: p.Arg115Trp; replaces arginine 115 with tryptophan.
Molecular consequence: missense variant.
Genome position (GRCh38, 1-based): chr1:1,232,621, C>T. VCF-style: chr1-1232621-C-T. GRCh37 (hg19) VCF-style: chr1-1168001-C-T.
Other names: short protein forms R115W.
Identifiers: ClinVar variation 2420863 (VCV002420863.7), dbSNP rs751816384, ClinGen allele CA513319.

ClinVar aggregate classification (germline): Uncertain significance (1 of 4 stars; one submission).

Conditions:
Ehlers-Danlos syndrome, spondylodysplastic type, 2 (EDSSPD2). Also called: Ehlers-Danlos syndrome, progeroid type, 2. Identifiers: Orphanet 536467, Orphanet 75496, MedGen C3809210, MONDO:0014139, OMIM 615349.
Spondyloepimetaphyseal dysplasia with joint laxity (SEMDJL). Identifiers: MedGen C0432243, MONDO:0019675.

Allele frequency attached by ClinVar (database versions not stated): TOPMed 0.00001; gnomAD exomes 0.00002; gnomAD 0.00003; ExAC 0.00014.
gnomAD v4.1: 30 of 1,250,120 alleles (0.0024%); highest among the groups gnomAD compares: Admixed American, 0.0071%; no homozygotes.

Submission:

Labcorp Genetics (formerly Invitae), Labcorp
Classification: Uncertain significance for Ehlers-Danlos syndrome, spondylodysplastic type, 2; Spondyloepimetaphyseal dysplasia with joint laxity. Last evaluated: 2023-08-10. Review status: criteria provided, single submitter. Criteria: Invitae Variant Classification Sherloc (09022015). Collection method: clinical testing. Allele origin: germline.
Comment: The frequency data for this variant in the population databases is considered unreliable, as metrics indicate poor data quality at this position in the gnomAD database. This sequence change replaces arginine, which is basic and polar, with tryptophan, which is neutral and slightly polar, at codon 115 of the B3GALT6 protein (p.Arg115Trp). This variant has not been reported in the literature in individuals affected with B3GALT6-related conditions. ClinVar contains an entry for this variant (Variation ID: 2420863). Advanced modeling of protein sequence and biophysical properties (such as structural, functional, and spatial information, amino acid conservation, physicochemical variation, residue mobility, and thermodynamic stability) performed at Invitae indicates that this missense variant is expected to disrupt B3GALT6 protein function. In summary, the available evidence is currently insufficient to determine the role of this variant in disease. Therefore, it has been classified as a Variant of Uncertain Significance.